The following is an entry in ClinVar:

ClinVar aggregate classification (germline): Uncertain significance (1 of 4 stars; one submission).

Conditions:
Hereditary cancer-predisposing syndrome. Also called: Hereditary neoplastic syndrome; Neoplastic Syndromes, Hereditary; Tumor predisposition; Hereditary Cancer Syndrome. Identifiers: Orphanet 140162, MedGen C0027672, MeSH D009386, MONDO:0015356.

Submission:

Ambry Genetics
Classification: Uncertain significance for Hereditary cancer-predisposing syndrome. Last evaluated: 2025-08-27. Review status: criteria provided, single submitter. Criteria: Ambry Variant Classification Scheme 2023. Collection method: clinical testing. Allele origin: germline.
Comment: The p.Q299H variant (also known as c.897G>T), located in coding exon 10 of the MUTYH gene, results from a G to T substitution at nucleotide position 897. The glutamine at codon 299 is replaced by histidine, an amino acid with highly similar properties. This amino acid position is conserved. In addition, this alteration is predicted to be tolerated by in silico analysis. Based on the available evidence, the clinical significance of this variant remains unclear.

NM_001048174.2(MUTYH):c.813G>T (p.Gln271His)

Gene: MUTYH (mutY DNA glycosylase; minus strand). Cytogenetic location: 1p34.1.
Variant type: single nucleotide variant.
Coding change: c.813G>T on transcript NM_001048174.2 (MANE Select); coding-DNA position 813, G replaced by T.
Protein change: p.Gln271His; replaces glutamine 271 with histidine.
Molecular consequence: missense variant. On other transcripts: non-coding transcript variant (7).
Genome position (GRCh38, 1-based): chr1:45,332,202, C>A on the plus strand (G>T on the coding strand, the complement: MUTYH is on the minus strand). VCF-style: chr1-45332202-C-A. GRCh37 (hg19) VCF-style: chr1-45797874-C-A.
Other names: c.813G>T, p.Gln271His (NM_001048171.2, NM_001048173.2, NM_001407073.1 and 6 more transcripts); c.816G>T, p.Gln272His (NM_001048172.2, NM_001407078.1, NM_001407071.1 and 1 more transcripts); c.897G>T, p.Gln299His (NM_001128425.2); c.858G>T, p.Gln286His (NM_001293190.2); c.846G>T, p.Gln282His (NM_001293191.2, NM_001407077.1, NM_001407069.1); c.729G>T, p.Gln243His (NM_001407075.1); c.774G>T, p.Gln258His (NM_001407079.1); c.771G>T, p.Gln257His (NM_001407080.1); and 5 more; short protein forms Q282H, Q296H, Q243H, Q271H, Q286H, Q299H, Q179H, Q258H.
Identifiers: ClinVar variation 4113894 (VCV004113894.1).